The following is an entry in ClinVar:

NM_000169.3(GLA):c.18del (p.Glu7fs)

Genes: GLA (galactosidase alpha; minus strand), RPL36A-HNRNPH2 (RPL36A-HNRNPH2 readthrough; plus strand). Cytogenetic location: Xq22.1.
Variant type: Deletion.
Coding change: c.18del on transcript NM_000169.3 (MANE Select); coding-DNA position 18, one base deleted (A; older notation c.18delA).
Protein change: p.Glu7fs; shifts the reading frame from glutamic acid 7.
Molecular consequence: frameshift variant. On other transcripts: non-coding transcript variant (3), intron variant (2).
Genome position (GRCh38, 1-based): chrX:101,407,886, T deleted on the plus strand (A on the coding strand, the reverse complement: GLA is on the minus strand). VCF-style (leftmost placement, unchanged base first): chrX-101407885-CT-C. GRCh37 (hg19) VCF-style: chrX-100662873-CT-C.
Other names: c.18del, p.Glu7fs (NM_001406747.1, NM_001406748.1, NM_001406749.1); c.301-4050del (NM_001199973.2); c.178-4050del (NM_001199974.2); short protein forms E7fs.
Identifiers: ClinVar variation 1412602 (VCV001412602.10), dbSNP rs2147487830, ClinGen allele CA2573159129.

ClinVar aggregate classification (germline): Pathogenic. Review status: criteria provided, multiple submitters, no conflicts (2 of 4 stars). 3 submissions from 3 submitters: Pathogenic (3). Last evaluated 2026-09-08.

Conditions:
Fabry disease. Also called: Fabry's disease; ANDERSON-FABRY DISEASE; ALPHA-GALACTOSIDASE A DEFICIENCY; CERAMIDE TRIHEXOSIDASE DEFICIENCY; Ceramide trihexosidosis; Angiokeratoma corporis diffusum. Identifiers: Orphanet 324, MedGen C0002986, MONDO:0010526, OMIM 301500, HP:0001071. Disease mechanism: Fabry disease is due to inactivating mutations in the X-linked GLA gene resulting in deficiency of the enzyme Alpha Galactosidase-A., loss of function.
Cardiovascular phenotype. Identifiers: MedGen CN230736.

Submissions (3):

Genomenon, Inc
Classification: Pathogenic for Fabry disease. Last evaluated: 2026-09-08. Review status: criteria provided, single submitter. Criteria: Genomenon Sequence Variant Interpretation Standards - Updated. Collection method: curation. Allele origin: germline. Affected: yes.
Comment: GLA p.Glu7AsnfsTer114 (c.18del) is a frameshift variant that is predicted to introduce a premature termination codon and result in a truncated or absent protein product. This variant has been observed in at least one proband with clinical features consistent with Fabry disease (PMID:27992580;16595074;17224688). Functional or patient cell studies have been reported (PMID:16595074). It is absent or not present at a significant frequency in gnomAD. In conclusion, we classify GLA p.Glu7AsnfsTer114 (c.18del) as a pathogenic variant.

Ambry Genetics
Classification: Pathogenic for Cardiovascular phenotype. Last evaluated: 2023-05-10. Review status: criteria provided, single submitter. Criteria: Ambry Variant Classification Scheme 2023. Collection method: clinical testing. Allele origin: germline.
Comment: The c.18delA pathogenic mutation, located in coding exon 1 of the GLA gene, results from a deletion of one nucleotide at nucleotide position 18, causing a translational frameshift with a predicted alternate stop codon (p.E7Nfs*114). This variant has been reported in association with Fabry Disease (Shabbeer J et al. Hum Mutat, 2005 Mar;25:299-305; Shabbeer J et al. Hum Genomics, 2006 Mar;2:297-309; Fall B et al. PLoS One, 2016 Dec;11:e0168346). This variant is considered to be rare based on population cohorts in the Genome Aggregation Database (gnomAD). In addition to the clinical data presented in the literature, this alteration is expected to result in loss of function by premature protein truncation or nonsense-mediated mRNA decay. As such, this alteration is interpreted as a disease-causing mutation.

Labcorp Genetics (formerly Invitae), Labcorp
Classification: Pathogenic for Fabry disease. Last evaluated: 2021-10-21. Review status: criteria provided, single submitter. Criteria: Invitae Variant Classification Sherloc (09022015). Collection method: clinical testing. Allele origin: germline.
Comment: This sequence change creates a premature translational stop signal (p.Glu7Asnfs*114) in the GLA gene. It is expected to result in an absent or disrupted protein product. Loss-of-function variants in GLA are known to be pathogenic (PMID: 10666480, 12175777). This variant is not present in population databases (gnomAD no frequency). This premature translational stop signal has been observed in individual(s) with Fabry disease (PMID: 15712228, 16595074). For these reasons, this variant has been classified as Pathogenic.

Literature cited by the submitters: PubMed 27992580 (cited by Genomenon, Inc and Ambry Genetics); PubMed 16595074 (cited by 3 submitters); PubMed 17224688 (cited by Genomenon, Inc); PubMed 15712228 (cited by Ambry Genetics and Labcorp Genetics (formerly Invitae), Labcorp); PubMed 10666480 (cited by Labcorp Genetics (formerly Invitae), Labcorp); PubMed 12175777 (cited by Labcorp Genetics (formerly Invitae), Labcorp).